The following is an entry in ClinVar:

ClinVar aggregate classification (germline): Uncertain significance (1 of 4 stars; one submission).

Conditions:
Diamond-Blackfan anemia. Also called: Blackfan Diamond syndrome; Aregenerative anemia chronic congenital; Red cell aplasia, pure hereditary; Congenital hypoplastic anemia; Aase syndrome. Identifiers: Orphanet 124, MedGen C1260899, MeSH D029503, MONDO:0015253, HP:0004810.

Submission:

Labcorp Genetics (formerly Invitae), Labcorp
Classification: Uncertain significance for Diamond-Blackfan anemia. Last evaluated: 2022-11-03. Review status: criteria provided, single submitter. Criteria: Invitae Variant Classification Sherloc (09022015). Collection method: clinical testing. Allele origin: germline.
Comment: This sequence change replaces serine, which is neutral and polar, with arginine, which is basic and polar, at codon 297 of the RPL5 protein (p.Ser297Arg). This variant is not present in population databases (gnomAD no frequency). In summary, the available evidence is currently insufficient to determine the role of this variant in disease. Therefore, it has been classified as a Variant of Uncertain Significance. Algorithms developed to predict the effect of missense changes on protein structure and function are either unavailable or do not agree on the potential impact of this missense change (SIFT: "Deleterious"; PolyPhen-2: "Probably Damaging"; Align-GVGD: "Class C0"). This variant has not been reported in the literature in individuals affected with RPL5-related conditions.

NM_000969.5(RPL5):c.889A>C (p.Ser297Arg)

Genes: DIPK1A (divergent protein kinase domain 1A; minus strand), RPL5 (ribosomal protein L5; plus strand). Cytogenetic location: 1p22.1.
Variant type: single nucleotide variant.
Coding change: c.889A>C on transcript NM_000969.5 (MANE Select); coding-DNA position 889, A replaced by C.
Protein change: p.Ser297Arg; replaces serine 297 with arginine.
Molecular consequence: missense variant. On other transcripts: non-coding transcript variant (1), intron variant (1).
Genome position (GRCh38, 1-based): chr1:92,841,860, A>C. VCF-style: chr1-92841860-A-C. GRCh37 (hg19) VCF-style: chr1-93307417-A-C.
Other names: c.474+5323T>G (NM_001252273.2); short protein forms S297R.
Identifiers: ClinVar variation 2713365 (VCV002713365.3), dbSNP rs1687379417, ClinGen allele CA341244225.
Genomic context (GRCh38, chr1:92,841,860, plus strand): 5'-AAGGATCGGGTAGCTCAAAAGAAGGCAAGCTTCCTCAGAGCTCAGGAGCGGGCTGCTGAG[A>C]GCTAAACCCAGCAATTTTCTATGATTTTTTCAGATATAGATAATAAACTTATGAACAGCA-3'
Protein context (NP_000960.2, residues 287-297): FLRAQERAAE[Ser297Arg]